The following is an entry in ClinVar:

NC_000019.9:g.(?_13317255)_(13387943_13394080)del

Gene: CACNA1A (calcium voltage-gated channel subunit alpha1 A; minus strand). Cytogenetic location: 19p13.2.
Variant type: Deletion.
Identifiers: ClinVar variation 3769351 (VCV003769351.2).

ClinVar aggregate classification (germline): Pathogenic (1 of 4 stars; one submission).

Conditions:
Hereditary episodic ataxia. Also called: Episodic ataxia; EA syndrome; Episodic Ataxia syndrome. Identifiers: Orphanet 211062, MedGen C1720189, MONDO:0016227, HP:0002131.

Submission:

Women's Health and Genetics/Laboratory Corporation of America, LabCorp
Classification: Pathogenic for Hereditary episodic ataxia. Last evaluated: 2025-01-28. Review status: criteria provided, single submitter. Criteria: LabCorp Variant Classification Summary - May 2015. Collection method: clinical testing. Allele origin: germline.
Comment: Variant summary: The variant involves the deletion of exons 23-47 in the CACNA1A gene. A presumed nomenclature of c.(3825+1_3826-1)_(*1605_?)del has been designated for the purposes of this classification. The exact breakpoint at the distal 3' end of this variant is unknown, therefore this deletion may extend downstream of the annotated region of the gene. As it encompasses the termination codon, it is predicted to escape nonsense mediated decay (NMD). Similar deletions were absent in 19816 control chromosomes. A similar deletion has been reported in the heterozygous state in the literature in 2 siblings affected with clinical features of episodic ataxia (example, Gauquelin_2020). These data indicate that the variant may be associated with disease. To our knowledge, no experimental evidence demonstrating an impact on protein function has been reported. However, at least 1 non-NMD variant in the overlapping deleted region (NM_001127221:c.5396C>T, p.Ser1799Leu) has been classified as pathogenic in ClinVar for episodic ataxia (LoF established), suggesting that loss of this region is deleterious. The following publication has been ascertained in the context of this evaluation (PMID: 33163565). No submitters have cited clinical-significance assessments for this variant to ClinVar. Based on the evidence outlined above, the variant was classified as pathogenic.

Literature cited by the submitters: PubMed 33163565.